The following is an entry in ClinVar:

NM_002458.3(MUC5B):c.16306G>A (p.Val5436Met)

Gene: MUC5B (mucin 5B, oligomeric mucus/gel-forming; plus strand). Cytogenetic location: 11p15.5.
Variant type: single nucleotide variant.
Coding change: c.16306G>A on transcript NM_002458.3 (MANE Select); coding-DNA position 16306, G replaced by A.
Protein change: p.Val5436Met; replaces valine 5436 with methionine.
Molecular consequence: missense variant.
Genome position (GRCh38, 1-based): chr11:1,257,566, G>A. VCF-style: chr11-1257566-G-A. GRCh37 (hg19) VCF-style: chr11-1278796-G-A.
Other names: short protein forms V5436M.
Identifiers: ClinVar variation 164009 (VCV000164009.6), dbSNP rs55657020, ClinGen allele CA176778.

ClinVar aggregate classification (germline): Benign. Review status: criteria provided, multiple submitters, no conflicts (2 of 4 stars). 2 submissions from 2 submitters: Benign (2). Last evaluated 2013-02-21.

Allele frequency attached by ClinVar (database versions not stated): ESP Exome Variant Server 0.02357; gnomAD 0.02368 and 0.02302; gnomAD exomes 0.02541; ExAC 0.02769; 1000 Genomes Project 30x 0.01093; 1000 Genomes Project 0.01178; TOPMed 0.01724.
gnomAD v4.1: 46,827 of 1,607,968 alleles (2.9%); highest among the groups gnomAD compares: Non-Finnish European, 3.3%; 884 homozygotes.

Submissions (13):

Laboratory for Molecular Medicine, Mass General Brigham Personalized Medicine
Classification: Benign. Last evaluated: 2013-02-21. Review status: criteria provided, single submitter. Criteria: LMM Criteria. Collection method: clinical testing. Allele origin: germline. Observed: 7 variant alleles.
Comment: Val5436Met in exon 41 of MUC5B: This variant is not expected to have clinical si gnificance because it has been identified in 3.2% (269/8482) of European America n chromosomes from a broad population by the NHLBI Exome Sequencing Project (dbSNP rs55657020).

Breakthrough Genomics
Classification: Benign. Review status: criteria provided, single submitter. Criteria: ACMG Guidelines, 2015. Collection method: not provided. Allele origin: germline. Inheritance: Autosomal dominant inheritance. Affected: yes.

Dr. Peter K. Rogan Lab, Western University
No classification provided (evidence only). Condition: Colon adenocarcinoma. Review status: no classification provided. Collection method: in vitro. Allele origin: not applicable. Functional consequence: retained intron. Not counted in ClinVar's aggregate classification.

Dr. Peter K. Rogan Lab, Western University
No classification provided (evidence only). Condition: Colon adenocarcinoma. Review status: no classification provided. Collection method: in vitro. Allele origin: not applicable. Functional consequence: retained intron. Not counted in ClinVar's aggregate classification.

Dr. Peter K. Rogan Lab, Western University
No classification provided (evidence only). Condition: Colorectal cancer. Review status: no classification provided. Collection method: in vitro. Allele origin: not applicable. Functional consequence: retained intron. Not counted in ClinVar's aggregate classification.

Dr. Peter K. Rogan Lab, Western University
No classification provided (evidence only). Condition: Uterine corpus endometrial carcinoma. Review status: no classification provided. Collection method: in vitro. Allele origin: not applicable. Functional consequence: retained intron. Not counted in ClinVar's aggregate classification.

Dr. Peter K. Rogan Lab, Western University
No classification provided (evidence only). Condition: Cervical cancer. Review status: no classification provided. Collection method: in vitro. Allele origin: not applicable. Functional consequence: retained intron. Not counted in ClinVar's aggregate classification.

Dr. Peter K. Rogan Lab, Western University
No classification provided (evidence only). Condition: Cervical cancer. Review status: no classification provided. Collection method: in vitro. Allele origin: not applicable. Functional consequence: retained intron. Not counted in ClinVar's aggregate classification.

Dr. Peter K. Rogan Lab, Western University
No classification provided (evidence only). Condition: Cervical cancer. Review status: no classification provided. Collection method: in vitro. Allele origin: not applicable. Functional consequence: retained intron. Not counted in ClinVar's aggregate classification.

Dr. Peter K. Rogan Lab, Western University
No classification provided (evidence only). Condition: Thymoma. Review status: no classification provided. Collection method: in vitro. Allele origin: not applicable. Functional consequence: retained intron. Not counted in ClinVar's aggregate classification.

Dr. Peter K. Rogan Lab, Western University
No classification provided (evidence only). Condition: Ovarian serous cystadenocarcinoma. Review status: no classification provided. Collection method: in vitro. Allele origin: not applicable. Functional consequence: retained intron. Not counted in ClinVar's aggregate classification.

Dr. Peter K. Rogan Lab, Western University
No classification provided (evidence only). Condition: Ovarian serous cystadenocarcinoma. Review status: no classification provided. Collection method: in vitro. Allele origin: not applicable. Functional consequence: retained intron. Not counted in ClinVar's aggregate classification.

Dr. Peter K. Rogan Lab, Western University
No classification provided (evidence only). Condition: Gastric cancer. Review status: no classification provided. Collection method: in vitro. Allele origin: not applicable. Functional consequence: retained intron. Not counted in ClinVar's aggregate classification.